The following is an entry in ClinVar:

NM_022336.4(EDAR):c.1208C>G (p.Thr403Arg)

Genes: EDAR (ectodysplasin A receptor; minus strand), RANBP2 (RAN binding protein 2; plus strand). Cytogenetic location: 2q13.
Variant type: single nucleotide variant.
Coding change: c.1208C>G on transcript NM_022336.4 (MANE Select); coding-DNA position 1208, C replaced by G.
Protein change: p.Thr403Arg; replaces threonine 403 with arginine.
Molecular consequence: missense variant.
Genome position (GRCh38, 1-based): chr2:108,897,046, G>C on the plus strand (C>G on the coding strand, the complement: EDAR is on the minus strand). VCF-style: chr2-108897046-G-C. GRCh37 (hg19) VCF-style: chr2-109513502-G-C.
Other names: short protein forms T403R.
Identifiers: ClinVar variation 2021435 (VCV002021435.4), dbSNP rs1696610832, ClinGen allele CA348047979.

ClinVar aggregate classification (germline): Likely pathogenic (1 of 4 stars; one submission).

Conditions:
Autosomal recessive hypohidrotic ectodermal dysplasia syndrome. Also called: Autosomal recessive hypohidrotic ectodermal dysplasia. Identifiers: Orphanet 248, MedGen C0406702, MONDO:0016619.
Ectodermal dysplasia 10A, hypohidrotic/hair/nail type, autosomal dominant (ECTD10A). Also called: Ectodermal Dysplasia 3, Anhidrotic. Identifiers: Orphanet 1810, Orphanet 238468, MedGen C3888065, MONDO:0007509, OMIM 129490.

Submission:

Labcorp Genetics (formerly Invitae), Labcorp
Classification: Likely pathogenic for Ectodermal dysplasia 10A, hypohidrotic/hair/nail type, autosomal dominant; Autosomal recessive hypohidrotic ectodermal dysplasia syndrome. Last evaluated: 2022-09-23. Review status: criteria provided, single submitter. Criteria: Invitae Variant Classification Sherloc (09022015). Collection method: clinical testing. Allele origin: germline.
Comment: This sequence change replaces threonine, which is neutral and polar, with arginine, which is basic and polar, at codon 403 of the EDAR protein (p.Thr403Arg). This variant is not present in population databases (gnomAD no frequency). This variant has not been reported in the literature in individuals affected with EDAR-related conditions. Algorithms developed to predict the effect of missense changes on protein structure and function (SIFT, PolyPhen-2, Align-GVGD) all suggest that this variant is likely to be disruptive. This variant disrupts the p.Thr403 amino acid residue in EDAR. Other variant(s) that disrupt this residue have been determined to be pathogenic (PMID: 20236127, 20979233; Invitae). This suggests that this residue is clinically significant, and that variants that disrupt this residue are likely to be disease-causing. In summary, the currently available evidence indicates that the variant is pathogenic, but additional data are needed to prove that conclusively. Therefore, this variant has been classified as Likely Pathogenic.

Literature cited by the submitters: PubMed 20236127; PubMed 20979233.